The following is an entry in ClinVar:

ClinVar aggregate classification (germline): Uncertain significance. Review status: criteria provided, multiple submitters, no conflicts (2 of 4 stars). 2 submissions from 2 submitters: Uncertain significance (2). Last evaluated 2025-08-22.

Conditions:
Immunodeficiency due to CD25 deficiency. Also called: CD25 DEFICIENCY; IL2RA DEFICIENCY; IMMUNODEFICIENCY 41 WITH LYMPHOPROLIFERATION AND AUTOIMMUNITY. Identifiers: Orphanet 169100, MedGen C1853392, MONDO:0011664, OMIM 606367.

Allele frequency attached by ClinVar (database versions not stated): gnomAD 0.00001; ExAC 0.00002; gnomAD exomes 0.00002; TOPMed 0.00003; 1000 Genomes Project 0.00020; 1000 Genomes Project 30x 0.00031.
gnomAD v4.1: 32 of 1,614,194 alleles (0.002%); highest among the groups gnomAD compares: Middle Eastern, 0.017%; no homozygotes.

Submissions (2):

Mayo Clinic Laboratories, Mayo Clinic
Classification: Uncertain significance. Last evaluated: 2025-08-22. Review status: criteria provided, single submitter. Criteria: ACMG Guidelines, 2015. Collection method: clinical testing. Allele origin: germline. Observed: 1 variant allele.
Comment: BP4_moderate, PM2_supporting

Labcorp Genetics (formerly Invitae), Labcorp
Classification: Uncertain significance for Immunodeficiency due to CD25 deficiency. Last evaluated: 2024-10-16. Review status: criteria provided, single submitter. Criteria: Invitae Variant Classification Sherloc (09022015). Collection method: clinical testing. Allele origin: germline.
Comment: This sequence change replaces glycine, which is neutral and non-polar, with arginine, which is basic and polar, at codon 61 of the IL2RA protein (p.Gly61Arg). This variant is present in population databases (rs201617475, gnomAD 0.003%). This variant has not been reported in the literature in individuals affected with IL2RA-related conditions. ClinVar contains an entry for this variant (Variation ID: 2082677). Invitae Evidence Modeling of protein sequence and biophysical properties (such as structural, functional, and spatial information, amino acid conservation, physicochemical variation, residue mobility, and thermodynamic stability) indicates that this missense variant is not expected to disrupt IL2RA protein function with a negative predictive value of 80%. In summary, the available evidence is currently insufficient to determine the role of this variant in disease. Therefore, it has been classified as a Variant of Uncertain Significance.

NM_000417.3(IL2RA):c.181G>A (p.Gly61Arg)

Gene: IL2RA (interleukin 2 receptor subunit alpha; minus strand). Cytogenetic location: 10p15.1.
Variant type: single nucleotide variant.
Coding change: c.181G>A on transcript NM_000417.3 (MANE Select); coding-DNA position 181, G replaced by A.
Protein change: p.Gly61Arg; replaces glycine 61 with arginine.
Molecular consequence: missense variant.
Genome position (GRCh38, 1-based): chr10:6,025,909, C>T on the plus strand (G>A on the coding strand, the complement: IL2RA is on the minus strand). VCF-style: chr10-6025909-C-T. GRCh37 (hg19) VCF-style: chr10-6067872-C-T.
Other names: p.Gly61Arg; c.181G>A, p.Gly61Arg (NM_001308242.2, NM_001308243.2); short protein forms G61R.
Identifiers: ClinVar variation 2082677 (VCV002082677.3), dbSNP rs201617475, ClinGen allele CA5397536.